The following is an entry in ClinVar:

ClinVar aggregate classification (germline): Benign. Review status: criteria provided, multiple submitters, no conflicts (2 of 4 stars). 5 submissions from 5 submitters: Benign (5). Last evaluated 2023-11-06.

Allele frequency attached by ClinVar (database versions not stated): ExAC 0.00982; gnomAD 0.02591 and 0.02765; TOPMed 0.02899; 1000 Genomes Project 0.03075; 1000 Genomes Project 30x 0.03107.
gnomAD v4.1: 7,483 of 1,550,188 alleles (0.48%); highest among the groups gnomAD compares: African/African-American, 8.9%; 316 homozygotes.

Submissions (5):

ARUP Laboratories, Molecular Genetics and Genomics, ARUP Laboratories
Classification: Benign. Last evaluated: 2023-11-06. Review status: criteria provided, single submitter. Criteria: ARUP Molecular Germline Variant Investigation Process 2024. Collection method: clinical testing. Allele origin: germline.

Athena Diagnostics
Classification: Benign. Last evaluated: 2021-02-25. Review status: criteria provided, single submitter. Criteria: Athena Diagnostics criteria. Collection method: clinical testing. Allele origin: unknown.

GeneDx
Classification: Benign. Last evaluated: 2018-08-10. Review status: criteria provided, single submitter. Criteria: GeneDx Variant Classification Process June 2021. Collection method: clinical testing. Allele origin: germline. Affected: yes.

Laboratory for Molecular Medicine, Mass General Brigham Personalized Medicine
Classification: Benign. Last evaluated: 2012-05-07. Review status: criteria provided, single submitter. Criteria: LMM Criteria. Collection method: clinical testing. Allele origin: germline. Observed: 27 variant alleles.
Comment: Gly681Arg in Exon 17 of MYH14: This variant is not expected to have clinical sig nificance because it has been identified in 9.5% (67/702) of African American ch romosomes from a broad population by the NHLBI Exome Sequencing Project (dbSNP rs75915336).

Breakthrough Genomics
Classification: Benign. Review status: criteria provided, single submitter. Criteria: ACMG Guidelines, 2015. Collection method: not provided. Allele origin: germline. Inheritance: Autosomal dominant inheritance. Affected: yes.

NM_001145809.2(MYH14):c.2041G>C (p.Gly681Arg)

Gene: MYH14 (myosin heavy chain 14; plus strand). Cytogenetic location: 19q13.33.
Variant type: single nucleotide variant.
Coding change: c.2041G>C on transcript NM_001145809.2 (MANE Select); coding-DNA position 2041, G replaced by C.
Protein change: p.Gly681Arg; replaces glycine 681 with arginine.
Molecular consequence: missense variant. On other transcripts: intron variant (2).
Genome position (GRCh38, 1-based): chr19:50,255,315, G>C. VCF-style: chr19-50255315-G-C. GRCh37 (hg19) VCF-style: chr19-50758572-G-C.
Other names: c.1946-1984G>C (NM_001077186.2); c.1922-1984G>C (NM_024729.4); short protein forms G681R.
Identifiers: ClinVar variation 44054 (VCV000044054.10), dbSNP rs75915336, ClinGen allele CA133473.
Genomic context (GRCh38, chr19:50,255,315, plus strand): 5'-TCCTTCCCACCGTCGCCCCCAGGATCTGCAGAGAGGTGCAGCTCTGCTATTTCTCCGCCA[G>C]GGGGTGGGTGTCTCTGTGCATCGATGGGTGAGGCTTGCTGGAGGAGGAGGGTGGACCTGT-3'
Protein context (NP_001139281.1, residues 671-691): ERCSSAISPP[Gly681Arg]VEGIVGLEQV